The following is an entry in ClinVar:

ClinVar aggregate classification (germline): Uncertain significance. Review status: criteria provided, multiple submitters, no conflicts (2 of 4 stars). 2 submissions from 2 submitters: Uncertain significance (2). Last evaluated 2023-12-15.

Conditions:
Hereditary cancer-predisposing syndrome. Also called: Neoplastic Syndromes, Hereditary; Hereditary Cancer Syndrome; Hereditary neoplastic syndrome; Tumor predisposition. Identifiers: Orphanet 140162, MedGen C0027672, MeSH D009386, MONDO:0015356.

Submissions (2):

Ambry Genetics
Classification: Uncertain significance for Hereditary cancer-predisposing syndrome. Last evaluated: 2023-12-15. Review status: criteria provided, single submitter. Criteria: Ambry Variant Classification Scheme 2023. Collection method: clinical testing. Allele origin: germline.
Comment: The p.Q199P variant (also known as c.596A>C), located in coding exon 5 of the RAD50 gene, results from an A to C substitution at nucleotide position 596. The glutamine at codon 199 is replaced by proline, an amino acid with similar properties. This amino acid position is conserved. In addition, the in silico prediction for this alteration is inconclusive. Since supporting evidence is limited at this time, the clinical significance of this alteration remains unclear.

Labcorp Genetics (formerly Invitae), Labcorp
Classification: Uncertain significance for Hereditary cancer-predisposing syndrome. Last evaluated: 2023-08-03. Review status: criteria provided, single submitter. Criteria: Invitae Variant Classification Sherloc (09022015). Collection method: clinical testing. Allele origin: germline.
Comment: In summary, the available evidence is currently insufficient to determine the role of this variant in disease. Therefore, it has been classified as a Variant of Uncertain Significance. Advanced modeling of protein sequence and biophysical properties (such as structural, functional, and spatial information, amino acid conservation, physicochemical variation, residue mobility, and thermodynamic stability) performed at Invitae indicates that this missense variant is expected to disrupt RAD50 protein function. ClinVar contains an entry for this variant (Variation ID: 933267). This variant has not been reported in the literature in individuals affected with RAD50-related conditions. This variant is not present in population databases (gnomAD no frequency). This sequence change replaces glutamine, which is neutral and polar, with proline, which is neutral and non-polar, at codon 199 of the RAD50 protein (p.Gln199Pro).

NM_005732.4(RAD50):c.596A>C (p.Gln199Pro)

Gene: RAD50 (RAD50 double strand break repair protein; plus strand). Cytogenetic location: 5q31.1.
Variant type: single nucleotide variant.
Coding change: c.596A>C on transcript NM_005732.4 (MANE Select); coding-DNA position 596, A replaced by C.
Protein change: p.Gln199Pro; replaces glutamine 199 with proline.
Molecular consequence: missense variant.
Genome position (GRCh38, 1-based): chr5:132,579,906, A>C. VCF-style: chr5-132579906-A-C. GRCh37 (hg19) VCF-style: chr5-131915598-A-C.
Other names: short protein forms Q199P.
Identifiers: ClinVar variation 933267 (VCV000933267.11), dbSNP rs1750473916, ClinGen allele CA360935736.